The following is an entry in ClinVar:

NM_152309.3(PIK3AP1):c.526G>A (p.Gly176Arg)

Gene: PIK3AP1 (phosphoinositide-3-kinase adaptor protein 1; minus strand). Cytogenetic location: 10q24.1.
Variant type: single nucleotide variant.
Coding change: c.526G>A on transcript NM_152309.3 (MANE Select); coding-DNA position 526, G replaced by A.
Protein change: p.Gly176Arg; replaces glycine 176 with arginine.
Molecular consequence: missense variant.
Genome position (GRCh38, 1-based): chr10:96,656,839, C>T on the plus strand (G>A on the coding strand, the complement: PIK3AP1 is on the minus strand). VCF-style: chr10-96656839-C-T. GRCh37 (hg19) VCF-style: chr10-98416596-C-T.
Other names: short protein forms G176R.
Identifiers: ClinVar variation 955847 (VCV000955847.10), dbSNP rs768087248, ClinGen allele CA5626521.

ClinVar aggregate classification (germline): Uncertain significance. Review status: criteria provided, multiple submitters, no conflicts (2 of 4 stars). 2 submissions from 2 submitters: Uncertain significance (2). Last evaluated 2023-10-26.

Conditions:
Infantile spasms. Also called: Infantile spasm. Identifiers: MedGen C3887898, HP:0012469.

Allele frequency attached by ClinVar (database versions not stated): gnomAD exomes below 0.00001 and 0.00001; TOPMed below 0.00001; ExAC 0.00001; gnomAD 0.00001.
gnomAD v4.1: 15 of 1,614,022 alleles (0.00093%); highest among the groups gnomAD compares: Non-Finnish European, 0.0013%; no homozygotes.

Submissions (2):

Ambry Genetics
Classification: Uncertain significance. Last evaluated: 2023-10-26. Review status: criteria provided, single submitter. Criteria: Ambry Variant Classification Scheme 2023. Collection method: clinical testing. Allele origin: germline.

Labcorp Genetics (formerly Invitae), Labcorp
Classification: Uncertain significance for Infantile spasms. Last evaluated: 2019-08-04. Review status: criteria provided, single submitter. Criteria: Invitae Variant Classification Sherloc (09022015). Collection method: clinical testing. Allele origin: germline.
Comment: In summary, the available evidence is currently insufficient to determine the role of this variant in disease. Therefore, it has been classified as a Variant of Uncertain Significance. Algorithms developed to predict the effect of sequence changes on RNA splicing suggest that this variant may create or strengthen a splice site, but this prediction has not been confirmed by published transcriptional studies. Algorithms developed to predict the effect of missense changes on protein structure and function (SIFT, PolyPhen-2, Align-GVGD) all suggest that this variant is likely to be tolerated, but these predictions have not been confirmed by published functional studies and their clinical significance is uncertain. This variant has not been reported in the literature in individuals with PIK3AP1-related conditions. This variant is present in population databases (rs768087248, ExAC 0.001%). This sequence change replaces glycine with arginine at codon 176 of the PIK3AP1 protein (p.Gly176Arg). The glycine residue is moderately conserved and there is a moderate physicochemical difference between glycine and arginine.